The following is an entry in ClinVar:

ClinVar aggregate classification (germline): Uncertain significance (1 of 4 stars; one submission).

Conditions:
Cardiovascular phenotype. Identifiers: MedGen CN230736.

Submission:

Ambry Genetics
Classification: Uncertain significance for Cardiovascular phenotype. Last evaluated: 2019-06-28. Review status: criteria provided, single submitter. Criteria: Ambry Variant Classification Scheme 2023. Collection method: clinical testing. Allele origin: germline.
Comment: The p.E2749D variant (also known as c.8247A>C), located in coding exon 24 of the DSP gene, results from an A to C substitution at nucleotide position 8247. The glutamic acid at codon 2749 is replaced by aspartic acid, an amino acid with highly similar properties. This amino acid position is highly conserved in available vertebrate species. In addition, the in silico prediction for this alteration is inconclusive. Since supporting evidence is limited at this time, the clinical significance of this alteration remains unclear.

NM_004415.4(DSP):c.8247A>C (p.Glu2749Asp)

Gene: DSP (desmoplakin; plus strand). Cytogenetic location: 6p24.3.
Variant type: single nucleotide variant.
Coding change: c.8247A>C on transcript NM_004415.4 (MANE Select); coding-DNA position 8247, A replaced by C.
Protein change: p.Glu2749Asp; replaces glutamic acid 2749 with aspartic acid.
Molecular consequence: missense variant.
Genome position (GRCh38, 1-based): chr6:7,585,509, A>C. VCF-style: chr6-7585509-A-C. GRCh37 (hg19) VCF-style: chr6-7585742-A-C.
Other names: c.6450A>C, p.Glu2150Asp (NM_001008844.3); c.6918A>C, p.Glu2306Asp (NM_001319034.2); short protein forms E2150D, E2306D, E2749D.
Identifiers: ClinVar variation 1762606 (VCV001762606.2), dbSNP rs2533950489, ClinGen allele CA362694755.